The following is an entry in ClinVar:

NM_000059.4(BRCA2):c.1387A>G (p.Thr463Ala)

Gene: BRCA2 (BRCA2 DNA repair associated; plus strand). Cytogenetic location: 13q13.1.
Variant type: single nucleotide variant.
Coding change: c.1387A>G on transcript NM_000059.4 (MANE Select); coding-DNA position 1387, A replaced by G.
Protein change: p.Thr463Ala; replaces threonine 463 with alanine.
Molecular consequence: missense variant.
Genome position (GRCh38, 1-based): chr13:32,332,865, A>G. VCF-style: chr13-32332865-A-G. GRCh37 (hg19) VCF-style: chr13-32907002-A-G.
Other names: short protein forms T463A.
Identifiers: ClinVar variation 252411 (VCV000252411.5), dbSNP rs879255302, ClinGen allele CA10585892.

ClinVar aggregate classification (germline): Conflicting classifications of pathogenicity. Review status: criteria provided, conflicting classifications (1 of 4 stars). 3 submissions from 3 submitters: Uncertain significance (2); Likely benign (1). Last evaluated 2025-05-16.

Conditions:
Hereditary cancer-predisposing syndrome. Also called: Hereditary neoplastic syndrome; Neoplastic Syndromes, Hereditary; Tumor predisposition; Hereditary Cancer Syndrome. Identifiers: Orphanet 140162, MedGen C0027672, MeSH D009386, MONDO:0015356.

Submissions (3):

Ambry Genetics
Classification: Uncertain significance for Hereditary cancer-predisposing syndrome. Last evaluated: 2025-05-16. Review status: criteria provided, single submitter. Criteria: Ambry Variant Classification Scheme 2023. Collection method: clinical testing. Allele origin: germline.
Comment: The p.T463A variant (also known as c.1387A>G), located in coding exon 9 of the BRCA2 gene, results from an A to G substitution at nucleotide position 1387. The threonine at codon 463 is replaced by alanine, an amino acid with similar properties. This amino acid position is not well conserved in available vertebrate species. In addition, this alteration is predicted to be tolerated by in silico analysis. Based on the available evidence, the clinical significance of this variant remains unclear.

University of Washington Department of Laboratory Medicine, University of Washington
Classification: Likely benign for Hereditary cancer-predisposing syndrome. Last evaluated: 2023-03-23. Review status: criteria provided, single submitter. Criteria: Dines et al. (Genet Med. 2020). Collection method: curation. Allele origin: germline.
Comment: Missense variant in a coldspot region where missense variants are very unlikely to be pathogenic (PMID:31911673).

BRCA2 exon 10 coldspot. Reclassification based on statistical prior probability.

Quest Diagnostics Nichols Institute San Juan Capistrano
Classification: Uncertain significance. Last evaluated: 2021-02-17. Review status: criteria provided, single submitter. Criteria: Quest Diagnostics criteria. Collection method: clinical testing. Allele origin: unknown.

Literature cited by the submitters: PubMed 26295337 (cited by Quest Diagnostics Nichols Institute San Juan Capistrano).